The following is an entry in ClinVar:

ClinVar aggregate classification (germline): Uncertain significance. Review status: criteria provided, multiple submitters, no conflicts (2 of 4 stars). 2 submissions from 2 submitters: Uncertain significance (2). Last evaluated 2025-04-17.

Conditions:
Inborn genetic diseases. Identifiers: MedGen C0950123, MeSH D030342.

Allele frequency attached by ClinVar (database versions not stated): 1000 Genomes Project 0.00020; 1000 Genomes Project 30x 0.00047; gnomAD exomes 0.00003; gnomAD 0.00006; TOPMed 0.00007; ExAC 0.00012.
gnomAD v4.1: 56 of 1,613,940 alleles (0.0035%); highest among the groups gnomAD compares: Admixed American, 0.025%; no homozygotes.

Submissions (2):

Ambry Genetics
Classification: Uncertain significance for Inborn genetic diseases. Last evaluated: 2025-04-17. Review status: criteria provided, single submitter. Criteria: Ambry Variant Classification Scheme 2023. Collection method: clinical testing. Allele origin: germline.

Labcorp Genetics (formerly Invitae), Labcorp
Classification: Uncertain significance. Last evaluated: 2022-01-17. Review status: criteria provided, single submitter. Criteria: Invitae Variant Classification Sherloc (09022015). Collection method: clinical testing. Allele origin: germline.
Comment: Algorithms developed to predict the effect of missense changes on protein structure and function are either unavailable or do not agree on the potential impact of this missense change (SIFT: "Deleterious"; PolyPhen-2: "Benign"; Align-GVGD: "Class C0"). This variant has not been reported in the literature in individuals affected with TRAK1-related conditions. This variant is present in population databases (rs567217049, gnomAD 0.03%). This sequence change replaces arginine, which is basic and polar, with histidine, which is basic and polar, at codon 918 of the TRAK1 protein (p.Arg918His). In summary, the available evidence is currently insufficient to determine the role of this variant in disease. Therefore, it has been classified as a Variant of Uncertain Significance.

NM_001042646.3(TRAK1):c.2753G>A (p.Arg918His)

Gene: TRAK1 (trafficking kinesin protein 1; plus strand). Cytogenetic location: 3p22.1.
Variant type: single nucleotide variant.
Coding change: c.2753G>A on transcript NM_001042646.3 (MANE Select); coding-DNA position 2753, G replaced by A.
Protein change: p.Arg918His; replaces arginine 918 with histidine.
Molecular consequence: missense variant. On other transcripts: 3 prime UTR variant (1), non-coding transcript variant (1).
Genome position (GRCh38, 1-based): chr3:42,223,628, G>A. VCF-style: chr3-42223628-G-A. GRCh37 (hg19) VCF-style: chr3-42265120-G-A.
Other names: c.2378G>A, p.Arg793His (NM_001349245.1); c.2690G>A, p.Arg897His (NM_001349246.2); c.*707G>A (NM_001349247.2); c.2468G>A, p.Arg823His (NM_001349248.1); c.2531G>A, p.Arg844His (NM_001349249.1); c.2579G>A, p.Arg860His (NM_001410741.1); short protein forms R793H, R823H, R860H, R918H, R844H, R897H.
Identifiers: ClinVar variation 1973402 (VCV001973402.7), dbSNP rs567217049, ClinGen allele CA2333924.